The following is an entry in ClinVar:

ClinVar aggregate classification (germline): Uncertain significance. Review status: criteria provided, multiple submitters, no conflicts (2 of 4 stars). 2 submissions from 2 submitters: Uncertain significance (2). Last evaluated 2023-11-17.

Conditions:
CHARGE syndrome (CHARGE). Also called: Hittner Hirsch Kreh syndrome; CHARGE ASSOCIATION--COLOBOMA, HEART ANOMALY, CHOANAL ATRESIA, RETARDATION, GENITAL AND EAR ANOMALIES; Coloboma, heart anomaly, choanal atresia, retardation, genital and ear anomalies; CHARGE association; Hall-Hittner syndrome. Identifiers: Orphanet 138, MedGen C0265354, MONDO:0008965.

Submissions (2):

GeneDx
Classification: Uncertain significance. Last evaluated: 2023-11-17. Review status: criteria provided, single submitter. Criteria: GeneDx Variant Classification Process June 2021. Collection method: clinical testing. Allele origin: germline. Affected: yes.
Comment: In-frame deletion of 1 amino acid in a non-repeat region; In silico analysis supports a deleterious effect on protein structure/function; Not observed at significant frequency in large population cohorts (gnomAD); Has not been previously published as pathogenic or benign to our knowledge

Labcorp Genetics (formerly Invitae), Labcorp
Classification: Uncertain significance for CHARGE syndrome. Last evaluated: 2021-09-01. Review status: criteria provided, single submitter. Criteria: Invitae Variant Classification Sherloc (09022015). Collection method: clinical testing. Allele origin: germline.
Comment: This variant, c.1271_1273del, results in the deletion of 1 amino acid(s) of the CHD7 protein (p.Val424del), but otherwise preserves the integrity of the reading frame. This variant is not present in population databases (ExAC no frequency). This variant has not been reported in the literature in individuals affected with CHD7-related conditions. Experimental studies and prediction algorithms are not available or were not evaluated, and the functional significance of this variant is currently unknown. In summary, the available evidence is currently insufficient to determine the role of this variant in disease. Therefore, it has been classified as a Variant of Uncertain Significance.

NM_017780.4(CHD7):c.1271_1273del (p.Val424del)

Gene: CHD7 (chromodomain helicase DNA binding protein 7; plus strand). Cytogenetic location: 8q12.2.
Variant type: Deletion.
Coding change: c.1271_1273del on transcript NM_017780.4 (MANE Select); coding-DNA positions 1271 to 1273, 3 bases deleted (TTG; older notation c.1271_1273delTTG).
Protein change: p.Val424del; deletes valine 424.
Molecular consequence: inframe deletion.
Genome position (GRCh38, 1-based): chr8:60,742,703-60,742,705, TTG deleted; deleting any 3 consecutive bases within chr8:60,742,702-60,742,705 gives the same sequence; the c. name uses the placement nearest the transcript's 3' end. VCF-style (leftmost placement, unchanged base first): chr8-60742701-AGTT-A. GRCh37 (hg19) VCF-style: chr8-61655260-AGTT-A.
Other names: c.1271_1273del (NM_017780.2); c.1271_1273del, p.Val424del (NM_001316690.1); short protein forms V424del.
Identifiers: ClinVar variation 1358156 (VCV001358156.6), dbSNP rs1466152038, ClinGen allele CA853920392.